The following is an entry in ClinVar:

NM_000141.5(FGFR2):c.1985A>G (p.Asn662Ser)

Gene: FGFR2 (fibroblast growth factor receptor 2; minus strand). Cytogenetic location: 10q26.13.
Variant type: single nucleotide variant.
Coding change: c.1985A>G on transcript NM_000141.5 (MANE Select); coding-DNA position 1985, A replaced by G.
Protein change: p.Asn662Ser; replaces asparagine 662 with serine.
Molecular consequence: missense variant. On other transcripts: non-coding transcript variant (1).
Genome position (GRCh38, 1-based): chr10:121,487,992, T>C on the plus strand (A>G on the coding strand, the complement: FGFR2 is on the minus strand). VCF-style: chr10-121487992-T-C. GRCh37 (hg19) VCF-style: chr10-123247506-T-C.
Other names: c.1988A>G, p.Asn663Ser (NM_001144913.1, NM_022970.4); c.1649A>G, p.Asn550Ser (NM_001144914.1); c.1718A>G, p.Asn573Ser (NM_023029.3, NM_001144915.2); c.1640A>G, p.Asn547Ser (NM_001144916.2); c.1637A>G, p.Asn546Ser (NM_001144917.2); c.1634A>G, p.Asn545Ser (NM_001144918.2); c.1721A>G, p.Asn574Ser (NM_001144919.2); c.1301A>G, p.Asn434Ser (NM_001320654.2); and 1 more; short protein forms N546S, N550S, N573S, N663S, N434S, N545S, N574S, N662S.
Identifiers: ClinVar variation 1412875 (VCV001412875.12), dbSNP rs962103382, ClinGen allele CA214290082.

ClinVar aggregate classification (germline): Uncertain significance. Review status: criteria provided, multiple submitters, no conflicts (2 of 4 stars). 4 submissions from 4 submitters: Uncertain significance (4). Last evaluated 2025-08-31.

Conditions:
Acrocephalosyndactyly type I (ACS1). Also called: Apert syndrome; Acrocephalo-syndactyly type 1; ACS 1; Syndactylic oxycephaly. Identifiers: Orphanet 87, MedGen C0001193, MONDO:0007041, OMIM 101200.
Beare-Stevenson cutis gyrata syndrome (BSTVS). Identifiers: Orphanet 1555, MedGen C1852406, MONDO:0007412, OMIM 123790.
LADD syndrome 1 (LADD1). Also called: Lacrimoauriculodentodigital syndrome 1. Identifiers: MedGen C5774323, MONDO:0100302, OMIM 149730.
Pfeiffer syndrome (ACS5). Also called: ACS V. Identifiers: Orphanet 710, MedGen C0220658, MONDO:0007043, OMIM 101600.
Gastric cancer. Also called: Stomach cancer; Malignant tumor of stomach. Identifiers: MedGen C0024623, MeSH D013274, MONDO:0001056, OMIM 613659, HP:0012126.
Saethre-Chotzen syndrome (SCS). Also called: ACROCEPHALY, SKULL ASYMMETRY, AND MILD SYNDACTYLY; ACS III; CHOTZEN SYNDROME. Identifiers: Orphanet 794, MedGen C0175699, MONDO:0007042, OMIM 101400.
Familial scaphocephaly syndrome, McGillivray type. Also called: SCAPHOCEPHALY, MAXILLARY RETRUSION, AND IMPAIRED INTELLECTUAL DEVELOPMENT. Identifiers: Orphanet 168624, MedGen C1865070, MONDO:0012307, OMIM 609579.
Crouzon syndrome. Also called: CRANIOFACIAL DYSOSTOSIS, TYPE I; Craniofacial dysostosis; Craniofacial dysostosis type 1; Crouzon craniofacial dysostosis; Crouzon disease. Identifiers: Orphanet 207, MedGen C0010273, MeSH D003394, MONDO:0007405, OMIM 123500, HP:0004439.
Antley-Bixler syndrome without genital anomalies or disordered steroidogenesis (ABS2). Also called: MULTISYNOSTOTIC OSTEODYSGENESIS WITH LONG BONE FRACTURES; Antley-Bixler Syndrome, Autosomal Dominant; Trapezoidocephaly synostosis syndrome; Osteodysgenesis, multisynostotic with fractures. Identifiers: Orphanet 596008, Orphanet 83, MedGen C2936791, MONDO:0020667, OMIM 207410.
Jackson-Weiss syndrome (JWS). Also called: CRANIOSYNOSTOSIS, MIDFACIAL HYPOPLASIA, AND FOOT ABNORMALITIES. Identifiers: Orphanet 1540, MedGen C0795998, MONDO:0007400, OMIM 123150. Disease mechanism: loss of function.
Bent bone dysplasia syndrome 1 (BBDS1). Also called: FGFR2-related bent bone dysplasia. Identifiers: Orphanet 313855, MedGen C3281247, MONDO:0013815, OMIM 614592.
FGFR2-related craniosynostosis. Identifiers: MedGen CN231480.
Inborn genetic diseases. Identifiers: MedGen C0950123, MeSH D030342.

Allele frequency attached by ClinVar (database versions not stated): gnomAD exomes 0.00001; TOPMed 0.00001.
gnomAD v4.1: 3 of 1,614,064 alleles (0.00019%); highest among the groups gnomAD compares: Admixed American, 0.0033%; no homozygotes.

Submissions (4):

Labcorp Genetics (formerly Invitae), Labcorp
Classification: Uncertain significance for FGFR2-related craniosynostosis. Last evaluated: 2025-08-31. Review status: criteria provided, single submitter. Criteria: Invitae Variant Classification Sherloc (09022015). Collection method: clinical testing. Allele origin: germline.
Comment: This sequence change replaces asparagine, which is neutral and polar, with serine, which is neutral and polar, at codon 662 of the FGFR2 protein (p.Asn662Ser). This variant is present in population databases (no rsID available, gnomAD 0.006%). This variant has not been reported in the literature in individuals affected with FGFR2-related conditions. ClinVar contains an entry for this variant (Variation ID: 1412875). An algorithm developed to predict the effect of missense changes on protein structure and function (PolyPhen-2) suggests that this variant is likely to be tolerated. In summary, the available evidence is currently insufficient to determine the role of this variant in disease. Therefore, it has been classified as a Variant of Uncertain Significance.

Ambry Genetics
Classification: Uncertain significance for Inborn genetic diseases. Last evaluated: 2024-11-20. Review status: criteria provided, single submitter. Criteria: Ambry Variant Classification Scheme 2023. Collection method: clinical testing. Allele origin: germline.

Fulgent Genetics
Classification: Uncertain significance for Acrocephalosyndactyly type I; Saethre-Chotzen syndrome; Pfeiffer syndrome; Jackson-Weiss syndrome; Crouzon syndrome; Beare-Stevenson cutis gyrata syndrome; LADD syndrome 1; Antley-Bixler syndrome without genital anomalies or disordered steroidogenesis; Familial scaphocephaly syndrome, McGillivray type; Gastric cancer; Bent bone dysplasia syndrome 1. Last evaluated: 2024-01-17. Review status: criteria provided, single submitter. Criteria: ACMG Guidelines, 2015. Collection method: clinical testing. Allele origin: germline.

GeneDx
Classification: Uncertain significance. Last evaluated: 2024-01-08. Review status: criteria provided, single submitter. Criteria: GeneDx Variant Classification Process June 2021. Collection method: clinical testing. Allele origin: germline. Affected: yes.
Comment: In silico analysis supports that this missense variant has a deleterious effect on protein structure/function; Has not been previously published as pathogenic or benign to our knowledge